The following is an entry in ClinVar:

NM_152443.3(RDH12):c.-152A>G

Genes: RDH12 (retinol dehydrogenase 12; plus strand), GPHN (gephyrin; plus strand). Cytogenetic location: 14q24.1.
Variant type: single nucleotide variant.
Coding change: c.-152A>G on transcript NM_152443.3 (MANE Select); 152 bases upstream of the start codon, A replaced by G.
Molecular consequence: 5 prime UTR variant.
Genome position (GRCh38, 1-based): chr14:67,722,491, A>G. VCF-style: chr14-67722491-A-G. GRCh37 (hg19) VCF-style: chr14-68189208-A-G.
Identifiers: ClinVar variation 313835 (VCV000313835.6), dbSNP rs76635633, ClinGen allele CA10645771.

ClinVar aggregate classification (germline): Benign (1 of 4 stars; one submission).

Conditions:
Retinitis pigmentosa (RP). Identifiers: Orphanet 791, MedGen C0035334, MeSH D012174, MONDO:0019200, OMIM 268000. Inheritance: Autosomal dominant, autosomal recessive and X linked inheritance.

Allele frequency attached by ClinVar (database versions not stated): gnomAD exomes 0.00690; gnomAD 0.00699 and 0.00786; TOPMed 0.00901; 1000 Genomes Project 30x 0.02374; 1000 Genomes Project 0.02516.
gnomAD v4.1: 5,666 of 771,534 alleles (0.73%); highest among the groups gnomAD compares: East Asian, 9.2%; 228 homozygotes.

Submission:

Illumina Laboratory Services, Illumina
Classification: Benign for Retinitis pigmentosa. Last evaluated: 2018-01-13. Review status: criteria provided, single submitter. Criteria: ICSL Variant Classification Criteria 13 December 2019. Collection method: clinical testing. Allele origin: germline.
Comment: This variant was observed in the ICSL laboratory as part of a predisposition screen in an ostensibly healthy population. It had not been previously curated by ICSL or reported in the Human Gene Mutation Database (HGMD: prior to June 1st, 2018), and was therefore a candidate for classification through an automated scoring system. Utilizing variant allele frequency, disease prevalence and penetrance estimates, and inheritance mode, an automated score was calculated to assess if this variant is too frequent to cause the disease. Based on the score and internal cut-off values, a variant classified as benign is not then subjected to further curation. The score for this variant resulted in a classification of benign for this disease.